The following is an entry in ClinVar:

NM_005006.7(NDUFS1):c.1393-2A>C

Gene: NDUFS1 (NADH:ubiquinone oxidoreductase core subunit S1; minus strand). Cytogenetic location: 2q33.3.
Variant type: single nucleotide variant.
Coding change: c.1393-2A>C on transcript NM_005006.7 (MANE Select); the canonical splice acceptor site of the intron before coding-DNA position 1393, A replaced by C.
Molecular consequence: splice acceptor variant.
Genome position (GRCh38, 1-based): chr2:206,133,107, T>G on the plus strand (A>C on the coding strand, the complement: NDUFS1 is on the minus strand). VCF-style: chr2-206133107-T-G. GRCh37 (hg19) VCF-style: chr2-206997831-T-G.
Other names: c.1060-2A>C (NM_001199982.2); c.1222-2A>C (NM_001199983.2); c.1285-2A>C (NM_001199981.2); c.1435-2A>C (NM_001199984.2).
Identifiers: ClinVar variation 214772 (VCV000214772.15), dbSNP rs370009373, ClinGen allele CA321608.

ClinVar aggregate classification (germline): Pathogenic/Likely pathogenic. Review status: criteria provided, multiple submitters, no conflicts (2 of 4 stars). 9 submissions from 9 submitters: Pathogenic (1); Likely pathogenic (7). 1 of the submissions does not count toward it. Last evaluated 2025-09-20.

Conditions:
Mitochondrial complex I deficiency, nuclear type 5. Also called: Mitochondrial complex 1 deficiency, nuclear type 5. Identifiers: MedGen C4748754, MONDO:0032610, OMIM 618226.
NDUFS1-related disorder. Also called: NDUFS1-related condition.

Allele frequency attached by ClinVar (database versions not stated): gnomAD exomes 0.00001 and 0.00002; ExAC 0.00004; gnomAD 0.00007; ESP Exome Variant Server 0.00008; TOPMed 0.00009.
gnomAD v4.1: 27 of 1,594,310 alleles (0.0017%); highest among the groups gnomAD compares: African/African-American, 0.024%; no homozygotes.

Submissions (9):

Dasa
Classification: Likely pathogenic for Mitochondrial complex I deficiency, nuclear type 5. Last evaluated: 2025-09-20. Review status: criteria provided, single submitter. Criteria: DASA Assertion Criteria. Collection method: clinical testing. Allele origin: germline.
Comment: NM_005006.7(NDUFS1):c.1393-2A>C affects a canonical splice site and is predicted to disrupt normal RNA splicing. Loss of function is an established disease mechanism for NDUFS1-associated disorders. Also, this variant is rare in population databases. Based on the currently available evidence, this variant is classified as likely pathogenic.

Women's Health and Genetics/Laboratory Corporation of America, LabCorp
Classification: Likely pathogenic for Mitochondrial complex I deficiency, nuclear type 5. Last evaluated: 2025-07-16. Review status: criteria provided, single submitter. Criteria: LabCorp Variant Classification Summary - May 2015. Collection method: clinical testing. Allele origin: germline.
Comment: Variant summary: NDUFS1 c.1393-2A>C is located in a canonical splice-site and is predicted to affect mRNA splicing resulting in a significantly altered protein due to either exon skipping, shortening, or inclusion of intronic material. Variants that disrupt the consensus splice site are a relatively common cause of aberrant splicing and loss of NDUFS1 function. Several computational tools predict a significant impact on normal splicing: Five predict the variant abolishes a 3' acceptor site. However, these predictions have yet to be confirmed by functional studies. The variant allele was found at a frequency of 2.2e-05 in 227048 control chromosomes. To our knowledge, no occurrence of c.1393-2A>C in individuals affected with Mitochondrial Complex 1 Deficiency, Nuclear Type 5 and no experimental evidence demonstrating its impact on protein function have been reported. ClinVar contains an entry for this variant (Variation ID: 214772). Based on the evidence outlined above, the variant was classified as likely pathogenic.

Genomic Medicine Center of Excellence, King Faisal Specialist Hospital and Research Centre
Classification: Likely pathogenic for Mitochondrial complex I deficiency, nuclear type 5. Last evaluated: 2024-04-04. Review status: criteria provided, single submitter. Criteria: ACMG Guidelines, 2015. Collection method: clinical testing. Allele origin: germline.

Blueprint Genetics
Classification: Likely pathogenic for NDUFS1-related disorders. Last evaluated: 2023-12-01. Review status: criteria provided, single submitter. Criteria: ACMG Guidelines, 2015. Collection method: clinical testing. Allele origin: germline. Affected: yes. Observed: 4 variant alleles.

Department of Pathology and Laboratory Medicine, Sinai Health System
Classification: Likely pathogenic for Mitochondrial complex I deficiency, nuclear type 5. Last evaluated: 2023-04-08. Review status: criteria provided, single submitter. Criteria: ACMG Guidelines, 2015. Collection method: research. Allele origin: germline.

Labcorp Genetics (formerly Invitae), Labcorp
Classification: Likely pathogenic. Last evaluated: 2022-11-15. Review status: criteria provided, single submitter. Criteria: Invitae Variant Classification Sherloc (09022015). Collection method: clinical testing. Allele origin: germline.
Comment: ClinVar contains an entry for this variant (Variation ID: 214772). This sequence change affects an acceptor splice site in intron 13 of the NDUFS1 gene. It is expected to disrupt RNA splicing. Variants that disrupt the donor or acceptor splice site typically lead to a loss of protein function (PMID: 16199547), and loss-of-function variants in NDUFS1 are known to be pathogenic (PMID: 11349233, 22200994). The frequency data for this variant in the population databases is considered unreliable, as metrics indicate poor data quality at this position in the gnomAD database. This variant has not been reported in the literature in individuals affected with NDUFS1-related conditions. Algorithms developed to predict the effect of sequence changes on RNA splicing suggest that this variant may disrupt the consensus splice site. In summary, the currently available evidence indicates that the variant is pathogenic, but additional data are needed to prove that conclusively. Therefore, this variant has been classified as Likely Pathogenic.

Laboratorio de Genetica e Diagnostico Molecular, Hospital Israelita Albert Einstein
Classification: Likely pathogenic. Last evaluated: 2020-03-17. Review status: criteria provided, single submitter. Criteria: ACMG Guidelines, 2015. Collection method: clinical testing. Allele origin: germline. Affected: yes.
Comment: ACMG classification criteria: PVS1, PM2

GeneDx
Classification: Pathogenic. Last evaluated: 2014-06-12. Review status: criteria provided, single submitter. Criteria: GeneDx Variant Classification (06012015). Collection method: clinical testing. Allele origin: germline. Affected: yes.
Comment: c.1393-2 A>C: IVS13-2 A>C in intron 13 of the NDUFS1 gene (NM_005006.5). The c.1393-2 A>C splice site mutation in the NDUFS1 gene destroys the canonical splice acceptor site in intron 13. It is predicted to cause abnormal gene splicing, either leading to an abnormal message that is subject to nonsense-mediated mRNA decay, or to an abnormal protein product if the message is used for protein translation. Although this mutation has not been previously reported to our knowledge, it is expected to be pathogenic. The variant is found in MITONUC-MITOP panel(s).

Dr.Nikuei Genetic Center
Classification: Pathogenic for Mitochondrial complex I deficiency, nuclear type 5. Review status: no assertion criteria provided. Collection method: clinical testing. Allele origin: germline. Inheritance: Autosomal recessive inheritance. Affected: yes. Observed: 1 homozygote. Not counted in ClinVar's aggregate classification.

Literature cited by the submitters: PubMed 16199547 (cited by Labcorp Genetics (formerly Invitae), Labcorp); PubMed 11349233 (cited by Labcorp Genetics (formerly Invitae), Labcorp); PubMed 22200994 (cited by Labcorp Genetics (formerly Invitae), Labcorp).